The following is an entry in ClinVar:

ClinVar aggregate classification (germline): Uncertain significance (1 of 4 stars; one submission).

Allele frequency attached by ClinVar (database versions not stated): gnomAD 0.00001.
gnomAD v4.1: 5 of 1,613,996 alleles (0.00031%); highest among the groups gnomAD compares: Admixed American, 0.0083%; no homozygotes.

Submission:

Ambry Genetics
Classification: Uncertain significance. Last evaluated: 2024-05-10. Review status: criteria provided, single submitter. Criteria: Ambry Variant Classification Scheme 2023. Collection method: clinical testing. Allele origin: germline.
Comment: The p.I64T variant (also known as c.191T>C), located in coding exon 1 of the PALLD gene, results from a T to C substitution at nucleotide position 191. The isoleucine at codon 64 is replaced by threonine, an amino acid with similar properties. This amino acid position is conserved. In addition, this alteration is predicted to be tolerated by in silico analysis. Since supporting evidence is limited at this time, the clinical significance of this alteration remains unclear.

NM_001166108.2(PALLD):c.191T>C (p.Ile64Thr)

Gene: PALLD (palladin, cytoskeletal associated protein; plus strand). Cytogenetic location: 4q32.3.
Variant type: single nucleotide variant.
Coding change: c.191T>C on transcript NM_001166108.2 (MANE Select); coding-DNA position 191, T replaced by C.
Protein change: p.Ile64Thr; replaces isoleucine 64 with threonine.
Molecular consequence: missense variant.
Genome position (GRCh38, 1-based): chr4:168,511,695, T>C. VCF-style: chr4-168511695-T-C. GRCh37 (hg19) VCF-style: chr4-169432846-T-C.
Other names: c.191T>C, p.Ile64Thr (NM_016081.4); short protein forms I64T.
Identifiers: ClinVar variation 1782650 (VCV001782650.3), dbSNP rs1292544454, ClinGen allele CA358724996.